The following is an entry in ClinVar:

ClinVar aggregate classification (germline): Uncertain significance (1 of 4 stars; one submission).

Conditions:
Catecholaminergic polymorphic ventricular tachycardia 1. Also called: VENTRICULAR TACHYCARDIA, CATECHOLAMINERGIC POLYMORPHIC, 1, WITH OR WITHOUT ATRIAL DYSFUNCTION AND/OR DILATED CARDIOMYOPATHY; VENTRICULAR TACHYCARDIA, STRESS-INDUCED POLYMORPHIC 1; RYR2-Related Catecholaminergic Polymorphic Ventricular Tachycardia. Identifiers: Orphanet 3286, MedGen C1631597, MONDO:0011484, OMIM 604772.

Allele frequency attached by ClinVar (database versions not stated): gnomAD exomes below 0.00001.
gnomAD v4.1: 2 of 1,490,372 alleles (0.00013%); highest among the groups gnomAD compares: Non-Finnish European, 0.00019%; no homozygotes.

Submission:

Labcorp Genetics (formerly Invitae), Labcorp
Classification: Uncertain significance for Catecholaminergic polymorphic ventricular tachycardia 1. Last evaluated: 2023-12-04. Review status: criteria provided, single submitter. Criteria: Invitae Variant Classification Sherloc (09022015). Collection method: clinical testing. Allele origin: germline.
Comment: This sequence change falls in intron 77 of the RYR2 gene. It does not directly change the encoded amino acid sequence of the RYR2 protein. It affects a nucleotide within the consensus splice site. This variant is not present in population databases (gnomAD no frequency). This variant has not been reported in the literature in individuals affected with RYR2-related conditions. Variants that disrupt the consensus splice site are a relatively common cause of aberrant splicing (PMID: 17576681, 9536098). Algorithms developed to predict the effect of sequence changes on RNA splicing suggest that this variant is not likely to affect RNA splicing. In summary, the available evidence is currently insufficient to determine the role of this variant in disease. Therefore, it has been classified as a Variant of Uncertain Significance.

Literature cited by the submitters: PubMed 17576681; PubMed 9536098.

NM_001035.3(RYR2):c.10935+4T>C

Gene: RYR2 (ryanodine receptor 2; plus strand). Cytogenetic location: 1q43.
Variant type: single nucleotide variant.
Coding change: c.10935+4T>C on transcript NM_001035.3 (MANE Select); 4 bases into the intron after coding-DNA position 10935, T replaced by C.
Molecular consequence: intron variant.
Genome position (GRCh38, 1-based): chr1:237,730,360, T>C. VCF-style: chr1-237730360-T-C. GRCh37 (hg19) VCF-style: chr1-237893660-T-C.
Identifiers: ClinVar variation 2700768 (VCV002700768.3), dbSNP rs1690566326, ClinGen allele CA2487460871.